The following is an entry in ClinVar:

ClinVar aggregate classification (germline): Uncertain significance (1 of 4 stars; one submission).

Conditions:
Hypertrophic cardiomyopathy 26. Also called: Cardiomyopathy, familial hypertrophic, 26. Identifiers: Orphanet 75249, MedGen C4310749, MONDO:0014883, OMIM 617047.
Myofibrillar myopathy 5. Also called: Filaminopathy (type); FILAMINOPATHY, AUTOSOMAL DOMINANT. Identifiers: Orphanet 171445, MedGen C1836050, MONDO:0012289, OMIM 609524.
Distal myopathy with posterior leg and anterior hand involvement. Also called: WILLIAMS DISTAL MYOPATHY. Identifiers: Orphanet 63273, MedGen C3279722, MONDO:0013550, OMIM 614065.

Submission:

Labcorp Genetics (formerly Invitae), Labcorp
Classification: Uncertain significance for Distal myopathy with posterior leg and anterior hand involvement; Myofibrillar myopathy 5; Hypertrophic cardiomyopathy 26. Last evaluated: 2025-09-02. Review status: criteria provided, single submitter. Criteria: Invitae Variant Classification Sherloc (09022015). Collection method: clinical testing. Allele origin: germline.
Comment: This variant, c.5530_5532dup, results in the insertion of 1 amino acid(s) of the FLNC protein (p.His1844dup), but otherwise preserves the integrity of the reading frame. This variant is not present in population databases (gnomAD no frequency). This variant has not been reported in the literature in individuals affected with FLNC-related conditions. In summary, the available evidence is currently insufficient to determine the role of this variant in disease. Therefore, it has been classified as a Variant of Uncertain Significance.

NM_001458.5(FLNC):c.5530_5532dup (p.His1844_Ile1845insHis)

Genes: FLNC (filamin C; plus strand), FLNC-AS1 (FLNC antisense RNA 1; minus strand). Cytogenetic location: 7q32.1.
Variant type: Duplication.
Coding change: c.5530_5532dup on transcript NM_001458.5 (MANE Select); coding-DNA positions 5530 to 5532, 3 bases duplicated (CAC; older notation c.5530_5532dupCAC).
Protein change: p.His1844_Ile1845insHis.
Molecular consequence: inframe insertion.
Genome position (GRCh38, 1-based): chr7:128,850,934-128,850,936, CAC duplicated; duplicating any 3 consecutive bases within chr7:128,850,932-128,850,936 gives the same sequence; the c. name uses the placement nearest the transcript's 3' end. VCF-style (leftmost placement, unchanged base first): chr7-128850931-A-AACC. GRCh37 (hg19) VCF-style: chr7-128490985-A-AACC.
Other names: c.5431_5433dup, p.His1811_Ile1812insHis (NM_001127487.2).
Identifiers: ClinVar variation 4812634 (VCV004812634.1).
Genomic context (GRCh38, chr7:128,850,931, plus strand): 5'-ACGGTGAGGTATGCACCCACTGAGAAAGGCCTGCACCAGATGGGGATCAAGTATGACGGC[A>AACC]ACCACATCCCTGGTGAGTTAGGGGCTGGGCTGGGCTGGGGCTTGGGTGAGAGGAGCAGGC-3'